The following is an entry in ClinVar:

NM_001379500.1(COL18A1):c.962C>T (p.Thr321Met)

Gene: COL18A1 (collagen type XVIII alpha 1 chain; plus strand). Cytogenetic location: 21q22.3.
Variant type: single nucleotide variant.
Coding change: c.962C>T on transcript NM_001379500.1 (MANE Select); coding-DNA position 962, C replaced by T.
Protein change: p.Thr321Met; replaces threonine 321 with methionine.
Molecular consequence: missense variant.
Genome position (GRCh38, 1-based): chr21:45,477,444, C>T. VCF-style: chr21-45477444-C-T. GRCh37 (hg19) VCF-style: chr21-46897358-C-T.
Other names: NM_130445.2:c.962C>T; c.1502C>T, p.Thr501Met (NM_030582.4); c.2207C>T, p.Thr736Met (NM_130444.3); short protein forms T736M, T501M, T321M.
Identifiers: ClinVar variation 1406944 (VCV001406944.8), dbSNP rs372492704, ClinGen allele CA10066024.

ClinVar aggregate classification (germline): Uncertain significance. Review status: criteria provided, multiple submitters, no conflicts (2 of 4 stars). 2 submissions from 2 submitters: Uncertain significance (2). Last evaluated 2024-09-30.

Conditions:
Inborn genetic diseases. Identifiers: MedGen C0950123, MeSH D030342.

Allele frequency attached by ClinVar (database versions not stated): gnomAD 0.00001; ExAC 0.00002; TOPMed 0.00002; gnomAD exomes 0.00003 and 0.00005; 1000 Genomes Project 30x 0.00016.
gnomAD v4.1: 76 of 1,613,158 alleles (0.0047%); highest among the groups gnomAD compares: East Asian, 0.0067%; no homozygotes.

Submissions (2):

Labcorp Genetics (formerly Invitae), Labcorp
Classification: Uncertain significance. Last evaluated: 2024-09-30. Review status: criteria provided, single submitter. Criteria: Invitae Variant Classification Sherloc (09022015). Collection method: clinical testing. Allele origin: germline.
Comment: This sequence change replaces threonine, which is neutral and polar, with methionine, which is neutral and non-polar, at codon 321 of the COL18A1 protein (p.Thr321Met). This variant is present in population databases (rs372492704, gnomAD 0.01%). This variant has not been reported in the literature in individuals affected with COL18A1-related conditions. ClinVar contains an entry for this variant (Variation ID: 1406944). Experimental studies and prediction algorithms are not available or were not evaluated, and the functional significance of this variant is currently unknown. In summary, the available evidence is currently insufficient to determine the role of this variant in disease. Therefore, it has been classified as a Variant of Uncertain Significance.

Ambry Genetics
Classification: Uncertain significance for Inborn genetic diseases. Last evaluated: 2024-04-12. Review status: criteria provided, single submitter. Criteria: Ambry Variant Classification Scheme 2023. Collection method: clinical testing. Allele origin: germline.